The following is an entry in ClinVar:

ClinVar aggregate classification (germline): Uncertain significance (1 of 4 stars; one submission).

Submission:

GeneDx
Classification: Uncertain significance. Last evaluated: 2024-08-14. Review status: criteria provided, single submitter. Criteria: GeneDx Variant Classification Process June 2021. Collection method: clinical testing. Allele origin: germline. Affected: yes.
Comment: Not observed at significant frequency in large population cohorts (gnomAD); Frameshift variant predicted to result in abnormal protein length as the last 45 amino acids are replaced with 24 different amino acids; Has not been previously published as pathogenic or benign to our knowledge

NM_003108.4(SOX11):c.1190del (p.Lys397fs)

Gene: SOX11 (SRY-box transcription factor 11; plus strand). Cytogenetic location: 2p25.2.
Variant type: Deletion.
Coding change: c.1190del on transcript NM_003108.4 (MANE Select); coding-DNA position 1190, one base deleted (A; older notation c.1190delA).
Protein change: p.Lys397fs; shifts the reading frame from lysine 397.
Molecular consequence: frameshift variant.
Genome position (GRCh38, 1-based): chr2:5,693,911, A deleted; the last of 2 consecutive A bases (chr2:5,693,910-5,693,911); deleting either gives the same sequence. VCF-style (leftmost placement, unchanged base first): chr2-5693909-TA-T. GRCh37 (hg19) VCF-style: chr2-5834041-TA-T.
Other names: short protein forms K397fs.
Identifiers: ClinVar variation 3764324 (VCV003764324.1).
Genomic context (GRCh38, chr2:5,693,909, plus strand): 5'-CAGCGAGCAGCAGCTGGGGGGCGGCGCGGCGGCCGGGAACCTGTCCCTGTCGCTGGTGGA[TA>T]AGGATTTGGATTCGTTCAGCGAGGGCAGCCTGGGCTCCCACTTCGAGTTCCCCGACTACT-3'